The following is an entry in ClinVar:

NM_000179.3(MSH6):c.4071_*9dup (p.Ile1357_Ter(1361_?)(?))

Gene: MSH6 (mutS homolog 6; plus strand). Cytogenetic location: 2p16.3.
Variant type: Duplication.
Molecular consequence: frameshift variant, no sequence alteration (on NM_000179.3).
Genome position: GRCh38 VCF-style: chr2-47806847-T-TTAAGGAATTATAGACTGACTAC. GRCh37 (hg19) VCF-style: chr2-48033986-T-TTAAGGAATTATAGACTGACTAC.
Other names: c.4071_*9dup, p.Ile1357_Ter(1361_?)(?) (NM_000179.3, NM_001406796.1, NM_001406809.1); c.3681_*9dup, p.Ile1227_Ter(1231_?)(?) (NM_001281492.2); c.3165_*9dup, p.Ile1055_Ter(1059_?)(?) (NM_001281493.2, NM_001281494.2, NM_001406811.1 and 6 more transcripts); c.4167_*9dup, p.Ile1389_Ter(1393_?)(?) (NM_001406795.1); c.3774_*9dup, p.Ile1258_Ter(1262_?)(?) (NM_001406797.1, NM_001406805.1, NM_001406818.1 and 8 more transcripts); c.3897_*9dup, p.Ile1299_Ter(1303_?)(?) (NM_001406798.1); c.3546_*9dup, p.Ile1182_Ter(1186_?)(?) (NM_001406799.1, NM_001406806.1, NM_001406807.1); c.*92_*113dup (NM_001406800.1); and 10 more.
Identifiers: ClinVar variation 1737553 (VCV001737553.2), dbSNP rs1553334106, ClinGen allele CA916529873.

ClinVar aggregate classification (germline): Uncertain significance (1 of 4 stars; one submission).

Conditions:
Hereditary cancer-predisposing syndrome. Also called: Neoplastic Syndromes, Hereditary; Tumor predisposition; Hereditary Cancer Syndrome; Hereditary neoplastic syndrome. Identifiers: Orphanet 140162, MedGen C0027672, MeSH D009386, MONDO:0015356.

Allele frequency attached by ClinVar (database versions not stated): TOPMed 0.00001.

Submission:

Ambry Genetics
Classification: Uncertain significance for Hereditary cancer-predisposing syndrome. Last evaluated: 2019-03-04. Review status: criteria provided, single submitter. Criteria: Ambry Variant Classification Scheme 2023. Collection method: clinical testing. Allele origin: germline.
Comment: The c.4071_*9dup22 variant is located in coding exon 10 of the MSH6 gene. This variant results from a duplication of 22 nucleotides beginning at position 4071 and extending into the 3' UTR of the MSH6 gene. The exact functional impact of this duplication is unknown at this time. Since supporting evidence is limited at this time, the clinical significance of this alteration remains unclear.